The following is an entry in ClinVar:

ClinVar aggregate classification (germline): Uncertain significance (1 of 4 stars; one submission).

Conditions:
Hereditary cancer-predisposing syndrome. Also called: Hereditary Cancer Syndrome; Neoplastic Syndromes, Hereditary; Tumor predisposition; Hereditary neoplastic syndrome. Identifiers: Orphanet 140162, MedGen C0027672, MeSH D009386, MONDO:0015356.

Submission:

Ambry Genetics
Classification: Uncertain significance for Hereditary cancer-predisposing syndrome. Last evaluated: 2022-07-29. Review status: criteria provided, single submitter. Criteria: Ambry Variant Classification Scheme 2023. Collection method: clinical testing. Allele origin: germline.
Comment: The p.G1674R variant (also known as c.5020G>C), located in coding exon 15 of the APC gene, results from a G to C substitution at nucleotide position 5020. The glycine at codon 1674 is replaced by arginine, an amino acid with dissimilar properties. This amino acid position is conserved. In addition, in silico predictors for this gene do not accurately predict pathogenicity. Since supporting evidence is limited at this time, the clinical significance of this alteration remains unclear.

NM_000038.6(APC):c.5020G>C (p.Gly1674Arg)

Gene: APC (APC regulator of Wnt signaling pathway; plus strand). Cytogenetic location: 5q22.2.
Variant type: single nucleotide variant.
Coding change: c.5020G>C on transcript NM_000038.6 (MANE Select); coding-DNA position 5020, G replaced by C.
Protein change: p.Gly1674Arg; replaces glycine 1674 with arginine.
Molecular consequence: missense variant.
Genome position (GRCh38, 1-based): chr5:112,840,614, G>C. VCF-style: chr5-112840614-G-C. GRCh37 (hg19) VCF-style: chr5-112176311-G-C.
Other names: c.5020G>C, p.Gly1674Arg (NM_001127510.3, NM_001354895.2, NM_001407450.1); c.4966G>C, p.Gly1656Arg (NM_001127511.3); c.5074G>C, p.Gly1692Arg (NM_001354896.2, NM_001407447.1, NM_001407448.1 and 1 more transcripts); c.5050G>C, p.Gly1684Arg (NM_001354897.2); c.4945G>C, p.Gly1649Arg (NM_001354898.2); c.4936G>C, p.Gly1646Arg (NM_001354899.2); c.4897G>C, p.Gly1633Arg (NM_001354900.2); c.4843G>C, p.Gly1615Arg (NM_001354901.2, NM_001407453.1); and 11 more; short protein forms G1664R, G1674R, G1290R, G1545R, G1591R, G1615R, G1633R, G1646R.
Identifiers: ClinVar variation 1744841 (VCV001744841.2), dbSNP rs899555020, ClinGen allele CA16032315.